The following is an entry in ClinVar:

NM_138454.2(NXNL1):c.61G>C (p.Asp21His)

Gene: NXNL1 (nucleoredoxin like 1; minus strand). Cytogenetic location: 19p13.11.
Variant type: single nucleotide variant.
Coding change: c.61G>C on transcript NM_138454.2 (MANE Select); coding-DNA position 61, G replaced by C.
Protein change: p.Asp21His; replaces aspartic acid 21 with histidine.
Molecular consequence: missense variant.
Genome position (GRCh38, 1-based): chr19:17,460,809, C>G on the plus strand (G>C on the coding strand, the complement: NXNL1 is on the minus strand). VCF-style: chr19-17460809-C-G. GRCh37 (hg19) VCF-style: chr19-17571618-C-G.
Other names: short protein forms D21H.
Identifiers: ClinVar variation 2634799 (VCV002634799.1), dbSNP rs1180083745, ClinGen allele CA404703203.

ClinVar aggregate classification (germline): Uncertain significance (1 of 4 stars; one submission).

Conditions:
NXNL1-related disorder. Also called: NXNL1-related condition.

Submission:

PreventionGenetics, part of Exact Sciences
Classification: Uncertain significance for NXNL1-related condition. Last evaluated: 2023-08-02. Review status: criteria provided, single submitter. Criteria: ACMG Guidelines, 2015. Collection method: clinical testing. Allele origin: germline.
Comment: The NXNL1 c.61G>C variant is predicted to result in the amino acid substitution p.Asp21His. To our knowledge, this variant has not been reported in the literature or in a large population database, indicating this variant is rare. At this time, the clinical significance of this variant is uncertain due to the absence of conclusive functional and genetic evidence.